The following is an entry in ClinVar:

NM_000891.3(KCNJ2):c.119G>T (p.Arg40Leu)

Gene: KCNJ2 (potassium inwardly rectifying channel subfamily J member 2; plus strand). Cytogenetic location: 17q24.3.
Variant type: single nucleotide variant.
Coding change: c.119G>T on transcript NM_000891.3 (MANE Select); coding-DNA position 119, G replaced by T.
Protein change: p.Arg40Leu; replaces arginine 40 with leucine.
Molecular consequence: missense variant.
Genome position (GRCh38, 1-based): chr17:70,175,158, G>T. VCF-style: chr17-70175158-G-T. GRCh37 (hg19) VCF-style: chr17-68171299-G-T.
Other names: short protein forms R40L.
Identifiers: ClinVar variation 2098462 (VCV002098462.4), dbSNP rs766143485, ClinGen allele CA400859903.
Genomic context (GRCh38, chr17:70,175,158, plus strand): 5'-AGTTGGCCACCATGGCAGTTGCAAATGGCTTTGGGAACGGGAAGAGTAAAGTCCACACCC[G>T]ACAACAGTGCAGGAGCCGCTTTGTGAAGAAAGATGGCCACTGTAATGTTCAGTTCATCAA-3'
Protein context (NP_000882.1, residues 30-50): FGNGKSKVHT[Arg40Leu]QQCRSRFVKK

ClinVar aggregate classification (germline): Uncertain significance (1 of 4 stars; one submission).

Conditions:
Andersen Tawil syndrome (LQT7). Also called: Potassium-sensitive periodic paralysis, ventricular ectopy, and dysmorphic features; Andersen Syndrome; ANDERSEN CARDIODYSRHYTHMIC PERIODIC PARALYSIS; LONG QT SYNDROME 7; PERIODIC PARALYSIS, POTASSIUM-SENSITIVE CARDIODYSRHYTHMIC TYPE. Identifiers: Orphanet 37553, MedGen C1563715, MONDO:0008222, OMIM 170390.
Short QT syndrome type 3. Identifiers: Orphanet 51083, MedGen C1865018, MONDO:0012314, OMIM 609622.

gnomAD v4.1: 1 of 1,614,170 alleles (0.000062%); highest among the groups gnomAD compares: Non-Finnish European, 0.000085%; no homozygotes.

Submission:

Labcorp Genetics (formerly Invitae), Labcorp
Classification: Uncertain significance for Short QT syndrome type 3; Andersen Tawil syndrome. Last evaluated: 2022-04-01. Review status: criteria provided, single submitter. Criteria: Invitae Variant Classification Sherloc (09022015). Collection method: clinical testing. Allele origin: germline.
Comment: In summary, the available evidence is currently insufficient to determine the role of this variant in disease. Therefore, it has been classified as a Variant of Uncertain Significance. Algorithms developed to predict the effect of missense changes on protein structure and function (SIFT, PolyPhen-2, Align-GVGD) all suggest that this variant is likely to be tolerated. This variant has not been reported in the literature in individuals affected with KCNJ2-related conditions. This sequence change replaces arginine, which is basic and polar, with leucine, which is neutral and non-polar, at codon 40 of the KCNJ2 protein (p.Arg40Leu). This variant is not present in population databases (gnomAD no frequency).